The following is an entry in ClinVar:

ClinVar aggregate classification (germline): Uncertain significance (1 of 4 stars; one submission).

Allele frequency attached by ClinVar (database versions not stated): ExAC 0.00002; gnomAD exomes 0.00002; gnomAD 0.00005; TOPMed 0.00006.
gnomAD v4.1: 37 of 1,614,084 alleles (0.0023%); highest among the groups gnomAD compares: African/African-American, 0.015%; no homozygotes.

Submission:

Labcorp Genetics (formerly Invitae), Labcorp
Classification: Uncertain significance. Last evaluated: 2022-06-07. Review status: criteria provided, single submitter. Criteria: Invitae Variant Classification Sherloc (09022015). Collection method: clinical testing. Allele origin: germline.
Comment: This sequence change replaces asparagine, which is neutral and polar, with serine, which is neutral and polar, at codon 465 of the REL protein (p.Asn465Ser). This variant is present in population databases (rs763552533, gnomAD 0.02%). This variant has not been reported in the literature in individuals affected with REL-related conditions. Algorithms developed to predict the effect of missense changes on protein structure and function output the following: SIFT: "Tolerated"; PolyPhen-2: "Benign"; Align-GVGD: "Class C0". The serine amino acid residue is found in multiple mammalian species, which suggests that this missense change does not adversely affect protein function. In summary, the available evidence is currently insufficient to determine the role of this variant in disease. Therefore, it has been classified as a Variant of Uncertain Significance.

NM_001291746.2(REL):c.1298A>G (p.Asn433Ser)

Gene: REL (REL proto-oncogene, NF-kB subunit; plus strand). Cytogenetic location: 2p16.1.
Variant type: single nucleotide variant.
Coding change: c.1298A>G on transcript NM_001291746.2 (MANE Select); coding-DNA position 1298, A replaced by G.
Protein change: p.Asn433Ser; replaces asparagine 433 with serine.
Molecular consequence: missense variant.
Genome position (GRCh38, 1-based): chr2:60,922,069, A>G. VCF-style: chr2-60922069-A-G. GRCh37 (hg19) VCF-style: chr2-61149204-A-G.
Other names: c.1394A>G, p.Asn465Ser (NM_002908.4); short protein forms N465S, N433S.
Identifiers: ClinVar variation 1975786 (VCV001975786.2), dbSNP rs763552533, ClinGen allele CA1672461.